The following is an entry in ClinVar:

ClinVar aggregate classification (germline): Uncertain significance (1 of 4 stars; one submission).

Submission:

Labcorp Genetics (formerly Invitae), Labcorp
Classification: Uncertain significance. Last evaluated: 2025-06-15. Review status: criteria provided, single submitter. Criteria: Invitae Variant Classification Sherloc (09022015). Collection method: clinical testing. Allele origin: germline.
Comment: This sequence change replaces alanine, which is neutral and non-polar, with proline, which is neutral and non-polar, at codon 278 of the PIEZO1 protein (p.Ala278Pro). This variant is not present in population databases (gnomAD no frequency). This variant has not been reported in the literature in individuals affected with PIEZO1-related conditions. Invitae Evidence Modeling of protein sequence and biophysical properties (such as structural, functional, and spatial information, amino acid conservation, physicochemical variation, residue mobility, and thermodynamic stability) indicates that this missense variant is not expected to disrupt PIEZO1 protein function with a negative predictive value of 80%. In summary, the available evidence is currently insufficient to determine the role of this variant in disease. Therefore, it has been classified as a Variant of Uncertain Significance.

NM_001142864.4(PIEZO1):c.832G>C (p.Ala278Pro)

Genes: HSALR1 (HSP90AB1 associated lncRNA 1; plus strand), PIEZO1 (piezo type mechanosensitive ion channel component 1 (Er blood group); minus strand). Cytogenetic location: 16q24.3.
Variant type: single nucleotide variant.
Coding change: c.832G>C on transcript NM_001142864.4 (MANE Select); coding-DNA position 832, G replaced by C.
Protein change: p.Ala278Pro; replaces alanine 278 with proline.
Molecular consequence: missense variant. On other transcripts: non-coding transcript variant (1).
Genome position (GRCh38, 1-based): chr16:88,738,243, C>G on the plus strand (G>C on the coding strand, the complement: PIEZO1 is on the minus strand). VCF-style: chr16-88738243-C-G. GRCh37 (hg19) VCF-style: chr16-88804651-C-G.
Other names: short protein forms A278P.
Identifiers: ClinVar variation 4746723 (VCV004746723.1).